The following is an entry in ClinVar:

NM_006904.7(PRKDC):c.4431T>G (p.His1477Gln)

Gene: PRKDC (protein kinase, DNA-activated, catalytic subunit; minus strand). Cytogenetic location: 8q11.21.
Variant type: single nucleotide variant.
Coding change: c.4431T>G on transcript NM_006904.7 (MANE Select); coding-DNA position 4431, T replaced by G.
Protein change: p.His1477Gln; replaces histidine 1477 with glutamine.
Molecular consequence: missense variant.
Genome position (GRCh38, 1-based): chr8:47,887,688, A>C on the plus strand (T>G on the coding strand, the complement: PRKDC is on the minus strand). VCF-style: chr8-47887688-A-C. GRCh37 (hg19) VCF-style: chr8-48800249-A-C.
Other names: c.4431T>G, p.His1477Gln (NM_001081640.2); short protein forms H1477Q.
Identifiers: ClinVar variation 1740563 (VCV001740563.2), dbSNP rs1295588826, ClinGen allele CA371144186.
Genomic context (GRCh38, chr8:47,887,688, plus strand): 5'-TCTCTCATCTCCAGGGGCAATGCCTTTATAAACCAGGGAAAGAAGTTCTGTGCCAACAGA[A>C]TGATGCAAATCTGTGGACTAAAAGGAAGCCAACACTGAAATGCCTAGCAAAAAGATATTT-3'
Protein context (NP_008835.5, residues 1467-1487): ILPSQSTDLH[His1477Gln]SVGTELLSLV

ClinVar aggregate classification (germline): Uncertain significance (1 of 4 stars; one submission).

Submission:

Ambry Genetics
Classification: Uncertain significance. Last evaluated: 2022-06-27. Review status: criteria provided, single submitter. Criteria: Ambry Variant Classification Scheme 2023. Collection method: clinical testing. Allele origin: germline.
Comment: The p.H1477Q variant (also known as c.4431T>G), located in coding exon 35 of the PRKDC gene, results from a T to G substitution at nucleotide position 4431. The histidine at codon 1477 is replaced by glutamine, an amino acid with highly similar properties. This amino acid position is conserved. In addition, this alteration is predicted to be tolerated by in silico analysis. Since supporting evidence is limited at this time, the clinical significance of this alteration remains unclear.